The following is an entry in ClinVar:

NM_007186.6(CEP250):c.1610A>G (p.Glu537Gly)

Genes: CEP250 (centrosomal protein 250; plus strand), CEP250-AS1 (CEP250 antisense RNA 1; minus strand). Cytogenetic location: 20q11.22.
Variant type: single nucleotide variant.
Coding change: c.1610A>G on transcript NM_007186.6 (MANE Select); coding-DNA position 1610, A replaced by G.
Protein change: p.Glu537Gly; replaces glutamic acid 537 with glycine.
Molecular consequence: missense variant. On other transcripts: 5 prime UTR variant (1).
Genome position (GRCh38, 1-based): chr20:35,475,540, A>G. VCF-style: chr20-35475540-A-G. GRCh37 (hg19) VCF-style: chr20-34063365-A-G.
Other names: c.1610A>G (NM_007186.3, NM_007186.5); c.-290A>G (NM_001318219.1); short protein forms E537G.
Identifiers: ClinVar variation 1375759 (VCV001375759.8), dbSNP rs760339581, ClinGen allele CA9832980.

ClinVar aggregate classification (germline): Uncertain significance. Review status: criteria provided, multiple submitters, no conflicts (2 of 4 stars). 3 submissions from 3 submitters: Uncertain significance (3). Last evaluated 2026-04-20.

Conditions:
CEP250-related disorder. Also called: CEP250-related condition.

Allele frequency attached by ClinVar (database versions not stated): ExAC 0.00001; gnomAD exomes 0.00002 and 0.00004; gnomAD 0.00004; TOPMed 0.00004.
gnomAD v4.1: 61 of 1,614,058 alleles (0.0038%); highest among the groups gnomAD compares: Admixed American, 0.0067%; no homozygotes.

Submissions (3):

PreventionGenetics, part of Exact Sciences
Classification: Uncertain significance for CEP250-related condition. Last evaluated: 2026-04-20. Review status: criteria provided, single submitter. Criteria: ACMG Guidelines, 2015. Collection method: clinical testing. Allele origin: germline.
Comment: The CEP250 c.1610A>G variant is predicted to result in the amino acid substitution p.Glu537Gly. To our knowledge, this variant has not been reported in the literature. This variant is reported in 0.0056% of alleles in individuals of Latino descent in gnomAD. At this time, the clinical significance of this variant is uncertain due to the absence of conclusive functional and genetic evidence.

Labcorp Genetics (formerly Invitae), Labcorp
Classification: Uncertain significance. Last evaluated: 2025-02-03. Review status: criteria provided, single submitter. Criteria: Invitae Variant Classification Sherloc (09022015). Collection method: clinical testing. Allele origin: germline.
Comment: This sequence change replaces glutamic acid, which is acidic and polar, with glycine, which is neutral and non-polar, at codon 537 of the CEP250 protein (p.Glu537Gly). This variant is present in population databases (rs760339581, gnomAD 0.006%). This variant has not been reported in the literature in individuals affected with CEP250-related conditions. ClinVar contains an entry for this variant (Variation ID: 1375759). An algorithm developed to predict the effect of missense changes on protein structure and function (PolyPhen-2) suggests that this variant is likely to be disruptive. In summary, the available evidence is currently insufficient to determine the role of this variant in disease. Therefore, it has been classified as a Variant of Uncertain Significance.

Ambry Genetics
Classification: Uncertain significance. Last evaluated: 2023-01-26. Review status: criteria provided, single submitter. Criteria: Ambry Variant Classification Scheme 2023. Collection method: clinical testing. Allele origin: germline.